The following is an entry in ClinVar:

NM_000548.5(TSC2):c.4874T>A (p.Met1625Lys)

Gene: TSC2 (TSC complex subunit 2; plus strand). Cytogenetic location: 16p13.3.
Variant type: single nucleotide variant.
Coding change: c.4874T>A on transcript NM_000548.5 (MANE Select); coding-DNA position 4874, T replaced by A.
Protein change: p.Met1625Lys; replaces methionine 1625 with lysine.
Molecular consequence: missense variant. On other transcripts: non-coding transcript variant (4).
Genome position (GRCh38, 1-based): chr16:2,086,756, T>A. VCF-style: chr16-2086756-T-A. GRCh37 (hg19) VCF-style: chr16-2136757-T-A.
Other names: c.4673T>A, p.Met1558Lys (NM_001077183.3); c.4805T>A, p.Met1602Lys (NM_001114382.3); c.4565T>A, p.Met1522Lys (NM_001318827.2); c.4529T>A, p.Met1510Lys (NM_001318829.2); c.4142T>A, p.Met1381Lys (NM_001318831.2); c.4706T>A, p.Met1569Lys (NM_001318832.2); c.4676T>A, p.Met1559Lys (NM_001363528.2); c.4742T>A, p.Met1581Lys (NM_001370404.1); and 26 more; short protein forms M1024K, M1110K, M1111K, M1133K, M1134K, M1154K, M1358K, M1359K.
Identifiers: ClinVar variation 3901192 (VCV003901192.1).

ClinVar aggregate classification (germline): Likely pathogenic (1 of 4 stars; one submission).

Conditions:
Tuberous sclerosis 2 (TSC2). Identifiers: Orphanet 805, MedGen C1860707, MONDO:0013199, OMIM 613254.

Submission:

Institute of Human Genetics, University of Leipzig Medical Center
Classification: Likely pathogenic for Tuberous sclerosis 2. Last evaluated: 2025-05-26. Review status: criteria provided, single submitter. Criteria: ACMG Guidelines, 2015. Collection method: clinical testing. Allele origin: maternal. Inheritance: Autosomal dominant inheritance. Affected: yes.
Comment: Criteria applied: PM1,PM2_SUP,PP3,PM5